The following is an entry in ClinVar:

NM_016026.4(RDH11):c.542A>G (p.His181Arg)

Genes: GPHN (gephyrin; plus strand), RDH11 (retinol dehydrogenase 11; minus strand). Cytogenetic location: 14q24.1.
Variant type: single nucleotide variant.
Coding change: c.542A>G on transcript NM_016026.4 (MANE Select); coding-DNA position 542, A replaced by G.
Protein change: p.His181Arg; replaces histidine 181 with arginine.
Molecular consequence: missense variant. On other transcripts: intron variant (1).
Genome position (GRCh38, 1-based): chr14:67,690,334, T>C on the plus strand (A>G on the coding strand, the complement: RDH11 is on the minus strand). VCF-style: chr14-67690334-T-C. GRCh37 (hg19) VCF-style: chr14-68157051-T-C.
Other names: c.454+806A>G (NM_001252650.2); short protein forms H181R.
Identifiers: ClinVar variation 1507142 (VCV001507142.8), dbSNP rs748619477, ClinGen allele CA7238363.

ClinVar aggregate classification (germline): Uncertain significance (1 of 4 stars; one submission).

Allele frequency attached by ClinVar (database versions not stated): ExAC 0.00001; gnomAD exomes 0.00001 and 0.00003.
gnomAD v4.1: 7 of 1,614,078 alleles (0.00043%); highest among the groups gnomAD compares: Admixed American, 0.01%; no homozygotes.

Submission:

Labcorp Genetics (formerly Invitae), Labcorp
Classification: Uncertain significance. Last evaluated: 2024-03-04. Review status: criteria provided, single submitter. Criteria: Invitae Variant Classification Sherloc (09022015). Collection method: clinical testing. Allele origin: germline.
Comment: This sequence change replaces histidine, which is basic and polar, with arginine, which is basic and polar, at codon 181 of the RDH11 protein (p.His181Arg). This variant is present in population databases (rs748619477, gnomAD 0.02%). This variant has not been reported in the literature in individuals affected with RDH11-related conditions. ClinVar contains an entry for this variant (Variation ID: 1507142). An algorithm developed to predict the effect of missense changes on protein structure and function (PolyPhen-2) suggests that this variant is likely to be tolerated. In summary, the available evidence is currently insufficient to determine the role of this variant in disease. Therefore, it has been classified as a Variant of Uncertain Significance.